The following is an entry in ClinVar:

NM_170784.3(MKKS):c.547T>C (p.Leu183=)

Gene: MKKS (MKKS centrosomal shuttling protein; minus strand). Cytogenetic location: 20p12.2.
Variant type: single nucleotide variant.
Coding change: c.547T>C on transcript NM_170784.3 (MANE Select); coding-DNA position 547, T replaced by C.
Protein change: p.Leu183=; no amino-acid change (leucine 183 retained).
Molecular consequence: synonymous variant.
Genome position (GRCh38, 1-based): chr20:10,412,968, A>G on the plus strand (T>C on the coding strand, the complement: MKKS is on the minus strand). VCF-style: chr20-10412968-A-G. GRCh37 (hg19) VCF-style: chr20-10393616-A-G.
Other names: c.547T>C, p.Leu183= (NM_018848.3).
Identifiers: ClinVar variation 2934974 (VCV002934974.4), dbSNP rs1380420932, ClinGen allele CA509815247.
Genomic context (GRCh38, chr20:10,412,968, plus strand): 5'-GTACAATTAAACTCTTTCCTAAAATGATGTGGCCTTCAGCATTTTCTGGAATTGTAAGCA[A>G]AAAGGCTCTCAGGATCAAAGCACTGACATGCTCTGTTTCCTTTCTGGTGAGCATACAGGC-3'
Protein context (NP_740754.1, residues 173-193): HVSALILRAF[Leu183=]LTIPENAEGH

ClinVar aggregate classification (germline): Likely benign. Review status: criteria provided, multiple submitters, no conflicts (2 of 4 stars). 2 submissions from 2 submitters: Likely benign (2). Last evaluated 2025-06-08.

Conditions:
Bardet-Biedl syndrome (BBS). Identifiers: Orphanet 110, MedGen C0752166, MONDO:0015229.
McKusick-Kaufman syndrome (MKKS). Also called: HYDROMETROCOLPOS SYNDROME; HYDROMETROCOLPOS, POSTAXIAL POLYDACTYLY, AND CONGENITAL HEART MALFORMATION. Identifiers: Orphanet 2473, MedGen C0948368, MONDO:0009367, OMIM 236700.
MKKS-related disorder. Also called: MKKS-related condition; MKKS-related disorders.

Allele frequency attached by ClinVar (database versions not stated): gnomAD exomes below 0.00001; gnomAD 0.00001; TOPMed 0.00001.
gnomAD v4.1: 8 of 1,613,876 alleles (0.0005%); highest among the groups gnomAD compares: Admixed American, 0.0033%; no homozygotes.

Submissions (2):

PreventionGenetics, part of Exact Sciences
Classification: Likely benign for MKKS-related condition. Last evaluated: 2025-06-08. Review status: criteria provided, single submitter. Criteria: ACMG Guidelines, 2015. Collection method: clinical testing. Allele origin: germline.
Comment: This variant is classified as likely benign based on ACMG/AMP sequence variant interpretation guidelines (Richards et al. 2015 PMID: 25741868, with internal and published modifications).

Labcorp Genetics (formerly Invitae), Labcorp
Classification: Likely benign for McKusick-Kaufman syndrome; Bardet-Biedl syndrome. Last evaluated: 2024-02-06. Review status: criteria provided, single submitter. Criteria: Invitae Variant Classification Sherloc (09022015). Collection method: clinical testing. Allele origin: germline.